The following is an entry in ClinVar:

ClinVar aggregate classification (germline): Likely pathogenic (1 of 4 stars; one submission).

Conditions:
Mucopolysaccharidosis, MPS-III-C (MPS3C). Also called: MPS IIIC (Sanfilippo Syndrome Type C); MUCOPOLYSACCHARIDOSIS, TYPE IIIC; Mucopolysaccharidosis type IIIC (Sanfilippo C); mucopolysaccharidosis type 3C; SANFILIPPO SYNDROME C; MPS III C. Identifiers: Orphanet 581, Orphanet 79271, MedGen C0086649, MONDO:0009657, OMIM 252930.

Submission:

Myriad Genetics, Inc.
Classification: Likely pathogenic for Mucopolysaccharidosis, MPS-III-C. Last evaluated: 2019-12-28. Review status: criteria provided, single submitter. Criteria: Myriad Women's Health Autosomal Recessive and X-Linked Classification Criteria (2019). Collection method: clinical testing. Allele origin: unknown.
Comment: NM_152419.2(HGSNAT):c.784G>T(G262*) is expected to be pathogenic in the context of mucopolysaccharidosis type IIIC. This variant is predicted to lead to an abnormal or absent protein product due to the creation of a premature termination codon in HGSNAT, a gene where loss-of-function variants are known to be pathogenic. Please note: this variant was assessed in the context of healthy population screening.

NM_152419.3(HGSNAT):c.784G>T (p.Gly262Ter)

Gene: HGSNAT (heparan-alpha-glucosaminide N-acetyltransferase; plus strand). Cytogenetic location: 8p11.21.
Variant type: single nucleotide variant.
Coding change: c.784G>T on transcript NM_152419.3 (MANE Select); coding-DNA position 784, G replaced by T.
Protein change: p.Gly262Ter; replaces glycine 262 with a stop codon.
Molecular consequence: nonsense. On other transcripts: 5 prime UTR variant (1).
Genome position (GRCh38, 1-based): chr8:43,172,350, G>T. VCF-style: chr8-43172350-G-T. GRCh37 (hg19) VCF-style: chr8-43027493-G-T.
Other names: c.784G>T, p.Gly262Ter (NM_001363227.2, NM_001363228.2); c.-50G>T (NM_001363229.2); short protein forms G262*.
Identifiers: ClinVar variation 983606 (VCV000983606.3), dbSNP rs1803654249, ClinGen allele CA371116374.
Genomic context (GRCh38, chr8:43,172,350, plus strand): 5'-TCTTTGTTGGCTTCTTCTAGGATTGCTCTTATACTCATGGTCTTTGTCAATTATGGAGGA[G>T]GAAAATATTGGTACTTCAAACATGCAAGTTGGAATGGTAAGATATTTCCTAAAAGTAATG-3'